The following is an entry in ClinVar:

NM_001197104.2(KMT2A):c.7453G>A (p.Val2485Ile)

Gene: KMT2A (lysine methyltransferase 2A; plus strand). Cytogenetic location: 11q23.3.
Variant type: single nucleotide variant.
Coding change: c.7453G>A on transcript NM_001197104.2 (MANE Select); coding-DNA position 7453, G replaced by A.
Protein change: p.Val2485Ile; replaces valine 2485 with isoleucine.
Molecular consequence: missense variant.
Genome position (GRCh38, 1-based): chr11:118,503,345, G>A. VCF-style: chr11-118503345-G-A. GRCh37 (hg19) VCF-style: chr11-118374060-G-A.
Other names: c.7543G>A, p.Val2515Ile (NM_001412597.1); c.7444G>A, p.Val2482Ile (NM_005933.4); short protein forms V2485I, V2515I, V2482I.
Identifiers: ClinVar variation 4769924 (VCV004769924.1).

ClinVar aggregate classification (germline): Uncertain significance (1 of 4 stars; one submission).

Submission:

Labcorp Genetics (formerly Invitae), Labcorp
Classification: Uncertain significance. Last evaluated: 2026-01-12. Review status: criteria provided, single submitter. Criteria: Invitae Variant Classification Sherloc (09022015). Collection method: clinical testing. Allele origin: germline.
Comment: This sequence change replaces valine, which is neutral and non-polar, with isoleucine, which is neutral and non-polar, at codon 2485 of the KMT2A protein (p.Val2485Ile). This variant is not present in population databases (gnomAD no frequency). This variant has not been reported in the literature in individuals affected with KMT2A-related conditions. Invitae Evidence Modeling of protein sequence and biophysical properties (such as structural, functional, and spatial information, amino acid conservation, physicochemical variation, residue mobility, and thermodynamic stability) indicates that this missense variant is not expected to disrupt KMT2A protein function with a negative predictive value of 95%. In summary, the available evidence is currently insufficient to determine the role of this variant in disease. Therefore, it has been classified as a Variant of Uncertain Significance.